The following is an entry in ClinVar:

NM_002337.4(LRPAP1):c.595A>G (p.Ile199Val)

Gene: LRPAP1 (LDL receptor related protein associated protein 1; minus strand). Cytogenetic location: 4p16.3.
Variant type: single nucleotide variant.
Coding change: c.595A>G on transcript NM_002337.4 (MANE Select); coding-DNA position 595, A replaced by G.
Protein change: p.Ile199Val; replaces isoleucine 199 with valine.
Molecular consequence: missense variant. On other transcripts: non-coding transcript variant (1).
Genome position (GRCh38, 1-based): chr4:3,518,190, T>C on the plus strand (A>G on the coding strand, the complement: LRPAP1 is on the minus strand). VCF-style: chr4-3518190-T-C. GRCh37 (hg19) VCF-style: chr4-3519917-T-C.
Other names: short protein forms I199V.
Identifiers: ClinVar variation 775946 (VCV000775946.6), dbSNP rs35108689, ClinGen allele CA2829921.

ClinVar aggregate classification (germline): Benign. Review status: criteria provided, multiple submitters, no conflicts (2 of 4 stars). 3 submissions from 3 submitters: Benign (2). 1 of the submissions does not count toward it. Last evaluated 2019-12-31.

Conditions:
LRPAP1-related disorder. Also called: LRPAP1-related condition.

Allele frequency attached by ClinVar (database versions not stated): ExAC 0.00216; gnomAD 0.00618 and 0.00660; 1000 Genomes Project 0.00619; TOPMed 0.00658; ESP Exome Variant Server 0.00715; 1000 Genomes Project 30x 0.00750.

Submissions (3):

Labcorp Genetics (formerly Invitae), Labcorp
Classification: Benign. Last evaluated: 2019-12-31. Review status: criteria provided, single submitter. Criteria: Invitae Variant Classification Sherloc (09022015). Collection method: clinical testing. Allele origin: germline.

Breakthrough Genomics
Classification: Benign. Review status: criteria provided, single submitter. Criteria: ACMG Guidelines, 2015. Collection method: not provided. Allele origin: germline. Inheritance: Autosomal recessive inheritance. Affected: yes.

PreventionGenetics, part of Exact Sciences
Classification: Benign for LRPAP1-related condition. Last evaluated: 2024-03-11. Review status: no assertion criteria provided. Collection method: clinical testing. Allele origin: germline. Not counted in ClinVar's aggregate classification.
Comment: This variant is classified as benign based on ACMG/AMP sequence variant interpretation guidelines (Richards et al. 2015 PMID: 25741868, with internal and published modifications).